The following is an entry in ClinVar:

NM_001164508.2(NEB):c.24339_24342del (p.Pro8114fs)

Genes: RIF1 (replication timing regulatory factor 1; plus strand), NEB (nebulin; minus strand). Cytogenetic location: 2q23.3.
Variant type: Deletion.
Coding change: c.24339_24342del on transcript NM_001164508.2 (MANE Select); coding-DNA positions 24339 to 24342, 4 bases deleted (ACCT; older notation c.24339_24342delACCT).
Protein change: p.Pro8114fs; shifts the reading frame from proline 8114.
Molecular consequence: frameshift variant. On other transcripts: intron variant (1).
Genome position (GRCh38, 1-based): chr2:151,496,992-151,496,995, AGGT deleted on the plus strand (ACCT on the coding strand, the reverse complement: NEB is on the minus strand); deleting any 4 consecutive bases within chr2:151,496,992-151,496,997 gives the same sequence; the c. name uses the placement nearest the transcript's 3' end. VCF-style (leftmost placement, unchanged base first): chr2-151496991-CAGGT-C. GRCh37 (hg19) VCF-style: chr2-152353505-CAGGT-C.
Other names: c.24339_24342del, p.Pro8114fs (NM_001164507.2); c.24444_24447del, p.Pro8149fs (NM_001271208.2); c.18826-627_18826-624del (NM_004543.5); short protein forms P8114fs, P8149fs.
Identifiers: ClinVar variation 533968 (VCV000533968.20), dbSNP rs934111355, ClinGen allele CA57668225.

ClinVar aggregate classification (germline): Pathogenic/Likely pathogenic. Review status: criteria provided, multiple submitters, no conflicts (2 of 4 stars). 8 submissions from 8 submitters: Pathogenic (5); Likely pathogenic (1). 2 of the submissions do not count toward it. Last evaluated 2026-10-15.

Conditions:
NEB-related disorder. Also called: NEB-Related Disorders; NEB-related condition.
Nemaline myopathy. Also called: Myopathies, Nemaline. Identifiers: Orphanet 607, MedGen C0206157, MONDO:0018958.
Nemaline myopathy 2 (NEM2). Also called: Nemaline myopathy 2, autosomal recessive. Identifiers: MedGen C1850569, MONDO:0009725, OMIM 256030.
Arthrogryposis multiplex congenita 6. Identifiers: MedGen C5543431, MONDO:0030281, OMIM 619334.

Submissions (8):

GeneDx
Classification: Pathogenic. Last evaluated: 2026-10-15. Review status: criteria provided, single submitter. Criteria: GeneDx Variant Classification Process June 2021. Collection method: clinical testing. Allele origin: germline.
Comment: Observed with a second NEB variant on the opposite allele (in trans) in a patient with nemaline myopathy in published literature (PMID: 25205138); Frameshift variant predicted to result in protein truncation or nonsense mediated decay in a gene for which loss of function is a known mechanism of disease; Not observed at significant frequency in large population cohorts (gnomAD); This variant is associated with the following publications: (PMID: 25205138, 26809617)

Natera, Inc.
Classification: Pathogenic for Nemaline myopathy type 2. Last evaluated: 2025-07-07. Review status: criteria provided, single submitter. Criteria: Natera Variant Classification Schema (03/2026). Collection method: clinical testing. Allele origin: germline.
Comment: The c.24444_24447del variant in NEB is a frameshift variant predicted to shift the reading frame beginning at codon 8149 and leads to a stop codon 30 codons downstream. This variant is expected to result in nonsense mediated decay, truncation, or a dysfunctional protein product. This variant is rare in the general population with a frequency below the threshold expected for the associated phenotype(s). This variant has been observed in one or more individuals affected with the associated recessive disease, as either homozygous or compound heterozygous with a second variant (PMID: 25205138). Given the available evidence, this variant is classified as Pathogenic.

Labcorp Genetics (formerly Invitae), Labcorp
Classification: Pathogenic for Nemaline myopathy 2. Last evaluated: 2024-05-23. Review status: criteria provided, single submitter. Criteria: Invitae Variant Classification Sherloc (09022015). Collection method: clinical testing. Allele origin: germline.
Comment: This sequence change creates a premature translational stop signal (p.Pro8149Serfs*30) in the NEB gene. It is expected to result in an absent or disrupted protein product. Loss-of-function variants in NEB are known to be pathogenic (PMID: 25205138). This variant is present in population databases (no rsID available, gnomAD 0.001%). This premature translational stop signal has been observed in individuals with nemaline myopathy (PMID: 25205138, 26809617). This variant is also known as c.24339_24342del, p.Leu8113Leufs. ClinVar contains an entry for this variant (Variation ID: 533968). For these reasons, this variant has been classified as Pathogenic.

Fulgent Genetics
Classification: Pathogenic for Nemaline myopathy 2; Arthrogryposis multiplex congenita 6. Last evaluated: 2024-03-14. Review status: criteria provided, single submitter. Criteria: ACMG Guidelines, 2015. Collection method: clinical testing. Allele origin: germline.

Baylor Genetics
Classification: Pathogenic for Arthrogryposis multiplex congenita 6. Last evaluated: 2023-06-29. Review status: criteria provided, single submitter. Criteria: ACMG Guidelines, 2015. Collection method: clinical testing. Allele origin: unknown.

Women's Health and Genetics/Laboratory Corporation of America, LabCorp
Classification: Likely pathogenic for Nemaline myopathy. Last evaluated: 2023-04-03. Review status: criteria provided, single submitter. Criteria: LabCorp Variant Classification Summary - May 2015. Collection method: clinical testing. Allele origin: germline.
Comment: Variant summary: NEB c.24444_24447delACCT (p.Pro8149SerfsX30) results in a premature termination codon, predicted to cause a truncation of the encoded protein or absence of the protein due to nonsense mediated decay, which are commonly known mechanisms for disease. Truncations downstream of this position have been classified as pathogenic by our laboratory. The variant allele was found at a frequency of 5e-06 in 200820 control chromosomes (gnomAD). c.24444_24447delACCT, which is located in an alternatively spliced exon (Lehtokari_2014), has been reported in the literature in the compound heterozygous state in two individuals affected with nemaline myopathy who had atypical and/or late onset of symptoms (Lehtokari_2014, Levesque_2016). These data indicate that the variant is likely associated with disease. To our knowledge, no experimental evidence demonstrating an impact on protein function has been reported. Three clinical diagnostic laboratories have submitted clinical-significance assessments for this variant to ClinVar after 2014 and all classified the variant as pathogenic. Based on the evidence outlined above, the variant was classified as likely pathogenic.

PreventionGenetics, part of Exact Sciences
Classification: Pathogenic for NEB-related condition. Last evaluated: 2024-03-06. Review status: no assertion criteria provided. Collection method: clinical testing. Allele origin: germline. Not counted in ClinVar's aggregate classification.
Comment: The NEB c.24444_24447delACCT variant is predicted to result in a frameshift and premature protein termination (p.Pro8149Serfs*30). Of note, this variant can also be referred to as c.24339_24342delACCT (p.Pro8114Serfs*30) with alternate isoform, NM_001164507. This variant has been reported in the compound heterozygous state in two individuals with nemaline myopathy (Lehtokari et al 2014. PubMed ID: 25205138; Reported as c.24339_24342del in Lévesque S et al 2016. PubMed ID: 26809617). This variant is reported in 0.0039% of alleles in individuals of South Asian descent in gnomAD. Frameshift variants in NEB are expected to be pathogenic. This variant is interpreted as pathogenic.

Counsyl
Classification: Pathogenic for Nemaline myopathy 2. Last evaluated: 2017-01-30. Review status: no assertion criteria provided. Collection method: clinical testing. Allele origin: unknown. Not counted in ClinVar's aggregate classification.

Literature cited by the submitters: PubMed 25205138 (cited by 4 submitters); PubMed 26809617 (cited by 3 submitters).